The following is an entry in ClinVar:

NM_006404.5(PROCR):c.393C>T (p.Phe131=)

Genes: MMP24-AS1-EDEM2 (MMP24-AS1-EDEM2 readthrough; minus strand), PROCR (protein C receptor; plus strand). Cytogenetic location: 20q11.22.
Variant type: single nucleotide variant.
Coding change: c.393C>T on transcript NM_006404.5 (MANE Select); coding-DNA position 393, C replaced by T.
Protein change: p.Phe131=; no amino-acid change (phenylalanine 131 retained).
Molecular consequence: synonymous variant. On other transcripts: intron variant (1).
Genome position (GRCh38, 1-based): chr20:35,176,238, C>T. VCF-style: chr20-35176238-C-T. GRCh37 (hg19) VCF-style: chr20-33764041-C-T.
Other names: c.-101-10367G>A (NM_001355008.2).
Identifiers: ClinVar variation 737408 (VCV000737408.28), dbSNP rs186899359, ClinGen allele CA9830295.

ClinVar aggregate classification (germline): Benign/Likely benign. Review status: criteria provided, multiple submitters, no conflicts (2 of 4 stars). 3 submissions from 3 submitters: Benign (2); Likely benign (1). Last evaluated 2023-02-01.

Allele frequency attached by ClinVar (database versions not stated): ESP Exome Variant Server 0.00031; gnomAD 0.00033 and 0.00041; TOPMed 0.00048; ExAC 0.00104; gnomAD exomes 0.00106; 1000 Genomes Project 30x 0.00125; 1000 Genomes Project 0.00140.
gnomAD v4.1: 878 of 1,614,178 alleles (0.054%); highest among the groups gnomAD compares: Middle Eastern, 1.1%; 8 homozygotes.

Submissions (3):

CeGaT Center for Human Genetics Tuebingen
Classification: Likely benign. Last evaluated: 2023-02-01. Review status: criteria provided, single submitter. Criteria: CeGaT Center For Human Genetics Tuebingen Variant Classification Criteria Version 2. Collection method: clinical testing. Allele origin: germline. Affected: yes. Observed: 1 variant allele.
Comment: PROCR: BP4, BP7

Labcorp Genetics (formerly Invitae), Labcorp
Classification: Benign. Last evaluated: 2018-05-07. Review status: criteria provided, single submitter. Criteria: Invitae Variant Classification Sherloc (09022015). Collection method: clinical testing. Allele origin: germline.

Breakthrough Genomics
Classification: Benign. Review status: criteria provided, single submitter. Criteria: ACMG Guidelines, 2015. Collection method: not provided. Allele origin: germline. Inheritance: Unknown mechanism. Affected: yes.